The following is an entry in ClinVar:

NM_201253.3(CRB1):c.1298A>G (p.Tyr433Cys)

Gene: CRB1 (crumbs cell polarity complex component 1; plus strand). Cytogenetic location: 1q31.3.
Variant type: single nucleotide variant.
Coding change: c.1298A>G on transcript NM_201253.3 (MANE Select); coding-DNA position 1298, A replaced by G.
Protein change: p.Tyr433Cys; replaces tyrosine 433 with cysteine.
Molecular consequence: missense variant. On other transcripts: non-coding transcript variant (2).
Genome position (GRCh38, 1-based): chr1:197,421,126, A>G. VCF-style: chr1-197421126-A-G. GRCh37 (hg19) VCF-style: chr1-197390256-A-G.
Other names: c.962A>G, p.Tyr321Cys (NM_001193640.2); c.1091A>G, p.Tyr364Cys (NM_001257965.2); c.1298A>G, p.Tyr433Cys (NM_001257966.2); short protein forms Y433C, Y321C, Y364C.
Identifiers: ClinVar variation 99868 (VCV000099868.3), dbSNP rs62636288, ClinGen allele CA227990.

ClinVar aggregate classification (germline): Uncertain significance. Review status: criteria provided, single submitter (1 of 4 stars). 2 submissions from 2 submitters: Uncertain significance (1). 1 of the submissions does not count toward it. Last evaluated 2021-03-18.

Allele frequency attached by ClinVar (database versions not stated): ExAC 0.00001; gnomAD exomes below 0.00001.
gnomAD v4.1: 1 of 1,614,184 alleles (0.000062%); highest among the groups gnomAD compares: South Asian, 0.0011%; no homozygotes.

Submissions (2):

GeneDx
Classification: Uncertain significance. Last evaluated: 2021-03-18. Review status: criteria provided, single submitter. Criteria: GeneDx Variant Classification Process June 2021. Collection method: clinical testing. Allele origin: germline. Affected: yes.
Comment: In silico analysis supports that this missense variant has a deleterious effect on protein structure/function; Observed with the S403X pathogenic variant on the same allele and with a different pathogenic variant on the opposite allele in a patient with a CRB1-related retinal dystrophy in published literature (den Hollander et al., 2001); This variant is associated with the following publications: (PMID: 11389483, 12843338, 16123401)

Retina International
No classification provided. Review status: no classification provided. Collection method: not provided. Allele origin: not provided. Not counted in ClinVar's aggregate classification.